The following is an entry in ClinVar:

ClinVar aggregate classification (germline): Uncertain significance. Review status: criteria provided, multiple submitters, no conflicts (2 of 4 stars). 2 submissions from 2 submitters: Uncertain significance (2). Last evaluated 2024-04-13.

Conditions:
Hereditary nonpolyposis colorectal neoplasms. Identifiers: MedGen C0009405, MeSH D003123.
Hereditary cancer-predisposing syndrome. Also called: Neoplastic Syndromes, Hereditary; Tumor predisposition; Hereditary Cancer Syndrome; Hereditary neoplastic syndrome. Identifiers: Orphanet 140162, MedGen C0027672, MeSH D009386, MONDO:0015356.

Submissions (2):

Labcorp Genetics (formerly Invitae), Labcorp
Classification: Uncertain significance for Hereditary nonpolyposis colorectal neoplasms. Last evaluated: 2024-04-13. Review status: criteria provided, single submitter. Criteria: Invitae Variant Classification Sherloc (09022015). Collection method: clinical testing. Allele origin: germline.
Comment: This sequence change replaces leucine, which is neutral and non-polar, with proline, which is neutral and non-polar, at codon 1177 of the MSH6 protein (p.Leu1177Pro). This variant is not present in population databases (gnomAD no frequency). This variant has not been reported in the literature in individuals affected with MSH6-related conditions. ClinVar contains an entry for this variant (Variation ID: 1732366). Advanced modeling of protein sequence and biophysical properties (such as structural, functional, and spatial information, amino acid conservation, physicochemical variation, residue mobility, and thermodynamic stability) performed at Invitae indicates that this missense variant is expected to disrupt MSH6 protein function with a positive predictive value of 95%. In summary, the available evidence is currently insufficient to determine the role of this variant in disease. Therefore, it has been classified as a Variant of Uncertain Significance.

Ambry Genetics
Classification: Uncertain significance for Hereditary cancer-predisposing syndrome. Last evaluated: 2022-03-24. Review status: criteria provided, single submitter. Criteria: Ambry Variant Classification Scheme 2023. Collection method: clinical testing. Allele origin: germline.
Comment: The p.L1177P variant (also known as c.3530T>C), located in coding exon 6 of the MSH6 gene, results from a T to C substitution at nucleotide position 3530. The leucine at codon 1177 is replaced by proline, an amino acid with similar properties. This amino acid position is highly conserved in available vertebrate species. In addition, this alteration is predicted to be deleterious by in silico analysis. Since supporting evidence is limited at this time, the clinical significance of this alteration remains unclear.

NM_000179.3(MSH6):c.3530T>C (p.Leu1177Pro)

Gene: MSH6 (mutS homolog 6; plus strand). Cytogenetic location: 2p16.3.
Variant type: single nucleotide variant.
Coding change: c.3530T>C on transcript NM_000179.3 (MANE Select); coding-DNA position 3530, T replaced by C.
Protein change: p.Leu1177Pro; replaces leucine 1177 with proline.
Molecular consequence: missense variant.
Genome position (GRCh38, 1-based): chr2:47,805,001, T>C. VCF-style: chr2-47805001-T-C. GRCh37 (hg19) VCF-style: chr2-48032140-T-C.
Other names: c.3140T>C, p.Leu1047Pro (NM_001281492.2); c.2624T>C, p.Leu875Pro (NM_001281493.2, NM_001281494.2, NM_001406811.1 and 6 more transcripts); c.3626T>C, p.Leu1209Pro (NM_001406795.1, NM_001406802.1); c.3530T>C, p.Leu1177Pro (NM_001406796.1, NM_001406800.1, NM_001406808.1 and 1 more transcripts); c.3233T>C, p.Leu1078Pro (NM_001406797.1, NM_001406801.1, NM_001406805.1 and 10 more transcripts); c.3356T>C, p.Leu1119Pro (NM_001406798.1); c.3005T>C, p.Leu1002Pro (NM_001406799.1, NM_001406806.1, NM_001406807.1); c.2666T>C, p.Leu889Pro (NM_001406803.1); and 7 more; short protein forms L655P, L1002P, L1078P, L1177P, L1179P, L1209P, L889P, L1121P.
Identifiers: ClinVar variation 1732366 (VCV001732366.5), dbSNP rs1572738932, ClinGen allele CA346760229.